The following is an entry in ClinVar:

ClinVar aggregate classification (germline): Uncertain significance. Review status: criteria provided, multiple submitters, no conflicts (2 of 4 stars). 2 submissions from 2 submitters: Uncertain significance (2). Last evaluated 2023-11-30.

Conditions:
RYR1-related disorder. Also called: RYR1-related disorders; RYR1-related condition. Identifiers: MedGen CN239331.
Malignant hyperthermia, susceptibility to, 1 (MHS1). Also called: Anesthesia related hyperthermia; Malignant hyperpyrexia; Fulminating hyperpyrexia; Pharmacogenic myopathy; Malignant hyperthermia suceptibility 1; RYR1-Related Malignant Hyperthermia Susceptibility. Identifiers: Orphanet 423, MedGen C2930980, MONDO:0007783, OMIM 145600.

Allele frequency attached by ClinVar (database versions not stated): gnomAD 0.00001; TOPMed 0.00002.

Submissions (2):

All of Us Research Program, National Institutes of Health
Classification: Uncertain significance for Malignant hyperthermia, susceptibility to, 1. Last evaluated: 2023-11-30. Review status: criteria provided, single submitter. Criteria: ACMG Guidelines, 2015. Collection method: clinical testing. Allele origin: germline. Inheritance: Autosomal dominant inheritance. Observed: 1 variant allele, 1 heterozygote.
Comment: This study involves interpretation of variants in research participants for the purpose of population health screening. Participant phenotype was not available at the time of variant classification. Additional details can be found in publication PMID: 35346344, PMCID: PMC8962531

Labcorp Genetics (formerly Invitae), Labcorp
Classification: Uncertain significance for RYR1-related disorder. Last evaluated: 2023-01-11. Review status: criteria provided, single submitter. Criteria: Invitae Variant Classification Sherloc (09022015). Collection method: clinical testing. Allele origin: germline.
Comment: This sequence change replaces aspartic acid, which is acidic and polar, with glutamic acid, which is acidic and polar, at codon 3417 of the RYR1 protein (p.Asp3417Glu). In summary, the available evidence is currently insufficient to determine the role of this variant in disease. Therefore, it has been classified as a Variant of Uncertain Significance. Advanced modeling of protein sequence and biophysical properties (such as structural, functional, and spatial information, amino acid conservation, physicochemical variation, residue mobility, and thermodynamic stability) has been performed at Invitae for this missense variant, however the output from this modeling did not meet the statistical confidence thresholds required to predict the impact of this variant on RYR1 protein function. This variant has not been reported in the literature in individuals affected with RYR1-related conditions. This variant is not present in population databases (gnomAD no frequency).

NM_000540.3(RYR1):c.10251C>A (p.Asp3417Glu)

Gene: RYR1 (ryanodine receptor 1; plus strand). Cytogenetic location: 19q13.2.
Variant type: single nucleotide variant.
Coding change: c.10251C>A on transcript NM_000540.3 (MANE Select); coding-DNA position 10251, C replaced by A.
Protein change: p.Asp3417Glu; replaces aspartic acid 3417 with glutamic acid.
Molecular consequence: missense variant.
Genome position (GRCh38, 1-based): chr19:38,519,446, C>A. VCF-style: chr19-38519446-C-A. GRCh37 (hg19) VCF-style: chr19-39010086-C-A.
Other names: c.10251C>A, p.Asp3417Glu (NM_001042723.2); short protein forms D3417E.
Identifiers: ClinVar variation 2919438 (VCV002919438.4), dbSNP rs1479518280, ClinGen allele CA405696814.